The following is an entry in ClinVar:

ClinVar aggregate classification (germline): Uncertain significance (1 of 4 stars; one submission).

gnomAD v4.1: 17 of 1,534,518 alleles (0.0011%); highest among the groups gnomAD compares: African/African-American, 0.022%; no homozygotes.

Submission:

Labcorp Genetics (formerly Invitae), Labcorp
Classification: Uncertain significance. Last evaluated: 2025-09-10. Review status: criteria provided, single submitter. Criteria: Invitae Variant Classification Sherloc (09022015). Collection method: clinical testing. Allele origin: germline.
Comment: This sequence change replaces arginine, which is basic and polar, with threonine, which is neutral and polar, at codon 621 of the MMP9 protein (p.Arg621Thr). The frequency data for this variant in the population databases is considered unreliable, as metrics indicate poor data quality at this position in the gnomAD database. This variant has not been reported in the literature in individuals affected with MMP9-related conditions. An algorithm developed to predict the effect of missense changes on protein structure and function (PolyPhen-2) suggests that this variant is likely to be tolerated. In summary, the available evidence is currently insufficient to determine the role of this variant in disease. Therefore, it has been classified as a Variant of Uncertain Significance.

NM_004994.3(MMP9):c.1862G>C (p.Arg621Thr)

Genes: MMP9 (matrix metallopeptidase 9; plus strand), SLC12A5-AS1 (SLC12A5 and MMP9 antisense RNA 1; minus strand), LOC130065978 (ATAC-STARR-seq lymphoblastoid silent region 12969; plus strand). Cytogenetic location: 20q13.12.
Variant type: single nucleotide variant.
Coding change: c.1862G>C on transcript NM_004994.3 (MANE Select); coding-DNA position 1862, G replaced by C.
Protein change: p.Arg621Thr; replaces arginine 621 with threonine.
Molecular consequence: missense variant. On other transcripts: non-coding transcript variant (1).
Genome position (GRCh38, 1-based): chr20:46,014,235, G>C. VCF-style: chr20-46014235-G-C. GRCh37 (hg19) VCF-style: chr20-44642874-G-C.
Other names: short protein forms R621T.
Identifiers: ClinVar variation 4691007 (VCV004691007.1).